The following is an entry in ClinVar:

NM_001042492.3(NF1):c.4111G>A (p.Ala1371Thr)

Gene: NF1 (neurofibromin 1; plus strand). Cytogenetic location: 17q11.2.
Variant type: single nucleotide variant.
Coding change: c.4111G>A on transcript NM_001042492.3 (MANE Select); coding-DNA position 4111, G replaced by A.
Protein change: p.Ala1371Thr; replaces alanine 1371 with threonine.
Molecular consequence: missense variant. On other transcripts: intron variant (1).
Genome position (GRCh38, 1-based): chr17:31,252,938, G>A. VCF-style: chr17-31252938-G-A. GRCh37 (hg19) VCF-style: chr17-29579956-G-A.
Other names: c.4110+3819G>A (NM_000267.4); short protein forms A1371T.
Identifiers: ClinVar variation 5002951 (VCV005002951.1).

ClinVar aggregate classification (germline): Uncertain significance (1 of 4 stars; one submission).

Conditions:
Café-au-lait macules with pulmonary stenosis (WTSN). Also called: PULMONIC STENOSIS WITH CAFE-AU-LAIT SPOTS. Identifiers: MedGen C0553586, MONDO:0008672, OMIM 193520.

Submission:

OLLIN Analises Genomicas, OLLIN
Classification: Uncertain significance for Café-au-lait macules with pulmonary stenosis. Last evaluated: 2026-08-06. Review status: criteria provided, single submitter. Criteria: ACMG Guidelines 2015 PMID 25741868. Collection method: clinical testing. Allele origin: germline. Inheritance: Autosomal dominant inheritance.
Comment: This missense variant, located in exon 31 (of 58), is absent from gnomAD and ClinVar and has not been identified in the literature. In silico analysis is inconclusive regarding the impact of this variant. This gene is constrained for missense variation. According to the currently available evidence, this variant has been classified as uncertain significance (PM2_P, PP2).